The following is an entry in ClinVar:

ClinVar aggregate classification (germline): Likely benign. Review status: criteria provided, multiple submitters, no conflicts (2 of 4 stars). 2 submissions from 2 submitters: Likely benign (2). Last evaluated 2022-11-15.

Conditions:
Lafora disease. Also called: Epilepsy progressive myoclonic 2; Progressive Myoclonus Epilepsy, Lafora Type. Identifiers: Orphanet 501, MedGen C0751783, MONDO:0009697.

Allele frequency attached by ClinVar (database versions not stated): gnomAD exomes below 0.00001; ExAC 0.00001; TOPMed 0.00004.
gnomAD v4.1: 10 of 1,612,308 alleles (0.00062%); highest among the groups gnomAD compares: Admixed American, 0.0017%; no homozygotes.

Submissions (2):

Labcorp Genetics (formerly Invitae), Labcorp
Classification: Likely benign for Lafora disease. Last evaluated: 2022-11-15. Review status: criteria provided, single submitter. Criteria: Invitae Variant Classification Sherloc (09022015). Collection method: clinical testing. Allele origin: germline.

GeneDx
Classification: Likely benign. Last evaluated: 2017-11-20. Review status: criteria provided, single submitter. Criteria: GeneDx Variant Classification (06012015). Collection method: clinical testing. Allele origin: germline. Affected: yes.
Comment: This variant is considered likely benign or benign based on one or more of the following criteria: it is a conservative change, it occurs at a poorly conserved position in the protein, it is predicted to be benign by multiple in silico algorithms, and/or has population frequency not consistent with disease.

NM_198586.3(NHLRC1):c.1185G>A (p.Gly395=)

Gene: NHLRC1 (NHL repeat containing E3 ubiquitin protein ligase 1; minus strand). Cytogenetic location: 6p22.3.
Variant type: single nucleotide variant.
Coding change: c.1185G>A on transcript NM_198586.3 (MANE Select); coding-DNA position 1185, G replaced by A.
Protein change: p.Gly395=; no amino-acid change (glycine 395 retained).
Molecular consequence: synonymous variant.
Genome position (GRCh38, 1-based): chr6:18,121,422, C>T on the plus strand (G>A on the coding strand, the complement: NHLRC1 is on the minus strand). VCF-style: chr6-18121422-C-T. GRCh37 (hg19) VCF-style: chr6-18121653-C-T.
Identifiers: ClinVar variation 513435 (VCV000513435.10), dbSNP rs760726977, ClinGen allele CA3649861.